The following is an entry in ClinVar:

NM_020549.5(CHAT):c.349del (p.Arg117fs)

Gene: CHAT (choline O-acetyltransferase; plus strand). Cytogenetic location: 10q11.23.
Variant type: Deletion.
Coding change: c.349del on transcript NM_020549.5 (MANE Select); coding-DNA position 349, one base deleted (C; older notation c.349delC).
Protein change: p.Arg117fs; shifts the reading frame from arginine 117.
Molecular consequence: frameshift variant. On other transcripts: 5 prime UTR variant (5).
Genome position (GRCh38, 1-based): chr10:49,616,564, C deleted; the last of 5 consecutive C bases (chr10:49,616,560-49,616,564); deleting any one gives the same sequence. VCF-style (leftmost placement, unchanged base first): chr10-49616559-TC-T. GRCh37 (hg19) VCF-style: chr10-50824605-TC-T.
Other names: c.349delC (NM_020549.4); c.-6del (NM_001142929.2, NM_001142934.2, NM_020984.4 and 2 more transcripts); c.103del, p.Arg35fs (NM_001142933.2); short protein forms R117fs, R35fs.
Identifiers: ClinVar variation 817424 (VCV000817424.2), dbSNP rs1198717023, ClinGen allele CA593368269.

ClinVar aggregate classification (germline): Conflicting classifications of pathogenicity. Review status: criteria provided, conflicting classifications (1 of 4 stars). 2 submissions from 2 submitters: Likely pathogenic (1); Uncertain significance (1). Last evaluated 2023-07-24.

Conditions:
Familial infantile myasthenia (CMS6). Also called: Congenital myasthenic syndrome type 6; MYASTHENIC SYNDROME, PRESYNAPTIC, CONGENITAL, ASSOCIATED WITH EPISODIC APNEA; MYASTHENIC SYNDROME, CONGENITAL, 6, PRESYNAPTIC. Identifiers: Orphanet 590, MedGen C0393929, MONDO:0009689, OMIM 254210.

Submissions (2):

Baylor Genetics
Classification: Uncertain significance for Familial infantile myasthenia. Last evaluated: 2023-07-24. Review status: criteria provided, single submitter. Criteria: ACMG Guidelines, 2015. Collection method: clinical testing. Allele origin: unknown.

GeneDx
Classification: Likely pathogenic. Last evaluated: 2019-01-29. Review status: criteria provided, single submitter. Criteria: GeneDx Variant Classification (06012015). Collection method: clinical testing. Allele origin: germline. Affected: yes.
Comment: The c.349delC variant in the CHAT gene has not been reported previously as a pathogenic variant nor as a benign variant, to our knowledge. The c.349delC variant causes a frameshift starting with codon Arginine 117, changes this amino acid to a Valine residue, and creates a premature Stop codon at position 83 of the new reading frame, denoted p.Arg117ValfsX83. This variant is predicted to cause loss of normal protein function either through protein truncation or nonsense-mediated mRNA decay. The c.349delC variant is not observed at a significant frequency in large population cohorts (Lek et al., 2016). We interpret c.349delC as a likely pathogenic variant.